The following is an entry in ClinVar:

ClinVar aggregate classification (germline): Uncertain significance. Review status: criteria provided, multiple submitters, no conflicts (2 of 4 stars). 2 submissions from 2 submitters: Uncertain significance (2). Last evaluated 2023-03-08.

Conditions:
Gnathodiaphyseal dysplasia (GDD). Also called: OSTEOGENESIS IMPERFECTA WITH UNUSUAL SKELETAL LESIONS; GNATHODIAPHYSEAL SCLEROSIS. Identifiers: Orphanet 53697, MedGen C1833736, MONDO:0008151, OMIM 166260.
Autosomal recessive limb-girdle muscular dystrophy type 2L (LGMDR12). Also called: Limb-girdle muscular dystrophy, type 2L; Limb-Girdle Muscular Dystrophy R12 Anoctamin-5-Related (LGMD-R12); MUSCULAR DYSTROPHY, LIMB-GIRDLE, AUTOSOMAL RECESSIVE 12. Identifiers: Orphanet 206549, MedGen C1969785, MONDO:0012652, OMIM 611307.

Submissions (2):

Labcorp Genetics (formerly Invitae), Labcorp
Classification: Uncertain significance for Autosomal recessive limb-girdle muscular dystrophy type 2L; Gnathodiaphyseal dysplasia. Last evaluated: 2023-03-08. Review status: criteria provided, single submitter. Criteria: Invitae Variant Classification Sherloc (09022015). Collection method: clinical testing. Allele origin: germline.
Comment: In summary, the available evidence is currently insufficient to determine the role of this variant in disease. Therefore, it has been classified as a Variant of Uncertain Significance. Advanced modeling of protein sequence and biophysical properties (such as structural, functional, and spatial information, amino acid conservation, physicochemical variation, residue mobility, and thermodynamic stability) performed at Invitae indicates that this missense variant is expected to disrupt ANO5 protein function. ClinVar contains an entry for this variant (Variation ID: 497843). This missense change has been observed in individual(s) with clinical features of ANO5-related conditions (PMID: 30564623). This variant is not present in population databases (gnomAD no frequency). This sequence change replaces glutamine, which is neutral and polar, with proline, which is neutral and non-polar, at codon 422 of the ANO5 protein (p.Gln422Pro).

Eurofins Ntd Llc (ga)
Classification: Uncertain significance. Last evaluated: 2016-10-11. Review status: criteria provided, single submitter. Criteria: EGL Classification Definitions 2015. Collection method: clinical testing. Allele origin: germline. Observed: 1 variant allele, 1 heterozygote.

Literature cited by the submitters: PubMed 30564623 (cited by Labcorp Genetics (formerly Invitae), Labcorp).

NM_213599.3(ANO5):c.1265A>C (p.Gln422Pro)

Gene: ANO5 (anoctamin 5; plus strand). Cytogenetic location: 11p14.3.
Variant type: single nucleotide variant.
Coding change: c.1265A>C on transcript NM_213599.3 (MANE Select); coding-DNA position 1265, A replaced by C.
Protein change: p.Gln422Pro; replaces glutamine 422 with proline.
Molecular consequence: missense variant.
Genome position (GRCh38, 1-based): chr11:22,255,455, A>C. VCF-style: chr11-22255455-A-C. GRCh37 (hg19) VCF-style: chr11-22277001-A-C.
Other names: c.1262A>C, p.Gln421Pro (NM_001142649.2); short protein forms Q422P, Q421P.
Identifiers: ClinVar variation 497843 (VCV000497843.9), dbSNP rs1554930319, ClinGen allele CA379921542.
Genomic context (GRCh38, chr11:22,255,455, plus strand): 5'-AACAACGACAAGCCAGACTGGAATATGAATGGGACCTGGTGGACTTTGAAGAGGAACAGC[A>C]GCAGCTTCAGCTGAGACCAGAATTTGAAGCTATGTGTAAACACAGGAAATTGAATGCAGT-3'
Protein context (NP_998764.1, residues 412-432): WDLVDFEEEQ[Gln422Pro]QLQLRPEFEA